The following is an entry in ClinVar:

NM_005477.3(HCN4):c.1474G>A (p.Val492Ile)

Gene: HCN4 (hyperpolarization activated cyclic nucleotide gated potassium channel 4; minus strand). Cytogenetic location: 15q24.1.
Variant type: single nucleotide variant.
Coding change: c.1474G>A on transcript NM_005477.3 (MANE Select); coding-DNA position 1474, G replaced by A.
Protein change: p.Val492Ile; replaces valine 492 with isoleucine.
Molecular consequence: missense variant.
Genome position (GRCh38, 1-based): chr15:73,329,689, C>T on the plus strand (G>A on the coding strand, the complement: HCN4 is on the minus strand). VCF-style: chr15-73329689-C-T. GRCh37 (hg19) VCF-style: chr15-73622030-C-T.
Other names: c.1474G>A (NM_005477.2); short protein forms V492I.
Identifiers: ClinVar variation 1374573 (VCV001374573.9), dbSNP rs772144022, ClinGen allele CA7649287.

ClinVar aggregate classification (germline): Uncertain significance. Review status: criteria provided, multiple submitters, no conflicts (2 of 4 stars). 2 submissions from 2 submitters: Uncertain significance (2). Last evaluated 2024-02-22.

Conditions:
Cardiovascular phenotype. Identifiers: MedGen CN230736.
Brugada syndrome 8 (BRGDA8). Identifiers: Orphanet 130, MedGen C2751083, MONDO:0013148, OMIM 613123.

Allele frequency attached by ClinVar (database versions not stated): ExAC 0.00001; gnomAD 0.00001 and 0.00002; TOPMed 0.00001; gnomAD exomes 0.00002 and 0.00003.
gnomAD v4.1: 41 of 1,614,070 alleles (0.0025%); highest among the groups gnomAD compares: East Asian, 0.018%; no homozygotes.

Submissions (2):

Labcorp Genetics (formerly Invitae), Labcorp
Classification: Uncertain significance for Brugada syndrome 8. Last evaluated: 2024-02-22. Review status: criteria provided, single submitter. Criteria: Invitae Variant Classification Sherloc (09022015). Collection method: clinical testing. Allele origin: germline.
Comment: This sequence change replaces valine, which is neutral and non-polar, with isoleucine, which is neutral and non-polar, at codon 492 of the HCN4 protein (p.Val492Ile). This variant is present in population databases (rs772144022, gnomAD 0.007%). This variant has not been reported in the literature in individuals affected with HCN4-related conditions. ClinVar contains an entry for this variant (Variation ID: 1374573). Advanced modeling of protein sequence and biophysical properties (such as structural, functional, and spatial information, amino acid conservation, physicochemical variation, residue mobility, and thermodynamic stability) performed at Invitae indicates that this missense variant is not expected to disrupt HCN4 protein function with a negative predictive value of 80%. In summary, the available evidence is currently insufficient to determine the role of this variant in disease. Therefore, it has been classified as a Variant of Uncertain Significance.

Ambry Genetics
Classification: Uncertain significance for Cardiovascular phenotype. Last evaluated: 2023-11-22. Review status: criteria provided, single submitter. Criteria: Ambry Variant Classification Scheme 2023. Collection method: clinical testing. Allele origin: germline.
Comment: The p.V492I variant (also known as c.1474G>A), located in coding exon 4 of the HCN4 gene, results from a G to A substitution at nucleotide position 1474. The valine at codon 492 is replaced by isoleucine, an amino acid with highly similar properties. This amino acid position is conserved. In addition, the in silico prediction for this alteration is inconclusive. Since supporting evidence is limited at this time, the clinical significance of this alteration remains unclear.